The following is an entry in ClinVar:

NM_031935.3(HMCN1):c.9491C>A (p.Thr3164Lys)

Gene: HMCN1 (hemicentin 1; plus strand). Cytogenetic location: 1q31.1.
Variant type: single nucleotide variant.
Coding change: c.9491C>A on transcript NM_031935.3 (MANE Select); coding-DNA position 9491, C replaced by A.
Protein change: p.Thr3164Lys; replaces threonine 3164 with lysine.
Molecular consequence: missense variant.
Genome position (GRCh38, 1-based): chr1:186,088,190, C>A. VCF-style: chr1-186088190-C-A. GRCh37 (hg19) VCF-style: chr1-186057322-C-A.
Other names: short protein forms T3164K.
Identifiers: ClinVar variation 2841620 (VCV002841620.3), dbSNP rs141412992, ClinGen allele CA343921336.
Genomic context (GRCh38, chr1:186,088,190, plus strand): 5'-GTTTGTTTTTTACAGTGCCACCCAGTATTGAAGGACCTGAAAGAGAAGTGATTGTGGAGA[C>A]GATCAGCAATCCTGTGACATTAACATGTGATGCCACTGGGATCCCACCTCCCACGATAGC-3'
Protein context (NP_114141.2, residues 3154-3174): EGPEREVIVE[Thr3164Lys]ISNPVTLTCD

ClinVar aggregate classification (germline): Uncertain significance (1 of 4 stars; one submission).

Submission:

Labcorp Genetics (formerly Invitae), Labcorp
Classification: Uncertain significance. Last evaluated: 2023-02-28. Review status: criteria provided, single submitter. Criteria: Invitae Variant Classification Sherloc (09022015). Collection method: clinical testing. Allele origin: germline.
Comment: In summary, the available evidence is currently insufficient to determine the role of this variant in disease. Therefore, it has been classified as a Variant of Uncertain Significance. An algorithm developed to predict the effect of missense changes on protein structure and function (PolyPhen-2) suggests that this variant is likely to be disruptive. This variant has not been reported in the literature in individuals affected with HMCN1-related conditions. This variant is not present in population databases (gnomAD no frequency). This sequence change replaces threonine, which is neutral and polar, with lysine, which is basic and polar, at codon 3164 of the HMCN1 protein (p.Thr3164Lys).